The following is an entry in ClinVar:

ClinVar aggregate classification (germline): Pathogenic (1 of 4 stars; one submission).

Conditions:
Beta-D-mannosidosis (MANSB). Also called: MANNOSIDOSIS, BETA A, LYSOSOMAL; BETA-MANNOSIDASE DEFICIENCY; LYSOSOMAL BETA-MANNOSIDASE DEFICIENCY; Beta-Mannosidosis. Identifiers: Orphanet 118, MedGen C4048196, MONDO:0009562, OMIM 248510.

gnomAD v4.1: 5 of 1,605,970 alleles (0.00031%); highest among the groups gnomAD compares: South Asian, 0.0055%; no homozygotes.

Submission:

Labcorp Genetics (formerly Invitae), Labcorp
Classification: Pathogenic for Beta-D-mannosidosis. Last evaluated: 2025-11-26. Review status: criteria provided, single submitter. Criteria: Invitae Variant Classification Sherloc (09022015). Collection method: clinical testing. Allele origin: germline.
Comment: This sequence change affects a donor splice site in intron 10 of the MANBA gene. It is expected to disrupt RNA splicing. Variants that disrupt the donor or acceptor splice site typically lead to a loss of protein function (PMID: 16199547), and loss-of-function variants in MANBA are known to be pathogenic (PMID: 9384606, 12468273). This variant is not present in population databases (gnomAD no frequency). Disruption of this splice site has been observed in individual(s) with beta-mannosidosis (PMID: 35018184). Algorithms developed to predict the effect of sequence changes on RNA splicing suggest that this variant may disrupt the consensus splice site. For these reasons, this variant has been classified as Pathogenic.

Literature cited by the submitters: PubMed 16199547; PubMed 9384606; PubMed 12468273; PubMed 35018184.

NM_005908.4(MANBA):c.1317+2T>A

Gene: MANBA (mannosidase beta; minus strand). Cytogenetic location: 4q24.
Variant type: single nucleotide variant.
Coding change: c.1317+2T>A on transcript NM_005908.4 (MANE Select); the canonical splice donor site of the intron after coding-DNA position 1317, T replaced by A.
Molecular consequence: splice donor variant.
Genome position (GRCh38, 1-based): chr4:102,668,961, A>T on the plus strand (T>A on the coding strand, the complement: MANBA is on the minus strand). VCF-style: chr4-102668961-A-T. GRCh37 (hg19) VCF-style: chr4-103590118-A-T.
Identifiers: ClinVar variation 4772575 (VCV004772575.1).